The following is an entry in ClinVar:

ClinVar aggregate classification (germline): Pathogenic (1 of 4 stars; one submission).

Conditions:
Generalized epilepsy with febrile seizures plus, type 2 (GEFSP2). Also called: GEFS+, TYPE 2. Identifiers: Orphanet 36387, MedGen C1858673, MONDO:0011461, OMIM 604403.
Severe myoclonic epilepsy in infancy (DRVT). Also called: Severe Myoclonic Epilepsy in Infancy (SMEI); Dravet syndrome; SEVERE MYOCLONIC EPILEPSY OF INFANCY; DEVELOPMENTAL AND EPILEPTIC ENCEPHALOPATHY 6A; Epileptic encephalopathy, early infantile, 6 (Dravet syndrome). Identifiers: Orphanet 33069, MedGen C0751122, MONDO:0100135, OMIM 607208.

Submission:

Department of Neurology, Zibo Changguo Hospital
Classification: Pathogenic for Generalized epilepsy with febrile seizures plus, type 2; Severe myoclonic epilepsy in infancy. Last evaluated: 2025-01-09. Review status: criteria provided, single submitter. Criteria: ACMG Guidelines, 2015. Collection method: clinical testing. Allele origin: de novo. Inheritance: Autosomal dominant inheritance. Affected: yes.
Comment: PVS1, PM6, PM2_Supporting

NM_001165963.4(SCN1A):c.3076del (p.Tyr1025_Val1026insTer)

Gene: SCN1A (sodium voltage-gated channel alpha subunit 1; minus strand). Cytogenetic location: 2q24.3.
Variant type: Deletion.
Coding change: c.3076del on transcript NM_001165963.4 (MANE Select); coding-DNA position 3076, one base deleted (G; older notation c.3076delG).
Protein change: p.Tyr1025_Val1026insTer.
Molecular consequence: nonsense. On other transcripts: non-coding transcript variant (1).
Genome position (GRCh38, 1-based): chr2:166,036,401, C deleted on the plus strand (G on the coding strand, the reverse complement: SCN1A is on the minus strand). VCF-style (leftmost placement, unchanged base first): chr2-166036400-AC-A. GRCh37 (hg19) VCF-style: chr2-166892910-AC-A.
Other names: c.2992del, p.Tyr997_Val998insTer (NM_001165964.3, NM_001353957.2, NM_001353958.2); c.3076del, p.Tyr1025_Val1026insTer (NM_001202435.3, NM_001353948.2); c.3043del, p.Tyr1014_Val1015insTer (NM_001353949.2, NM_001353950.2, NM_001353951.2 and 2 more transcripts); c.3040del, p.Tyr1013_Val1014insTer (NM_001353954.2, NM_001353955.2); c.2989del, p.Tyr996_Val997insTer (NM_001353960.2); c.634del, p.Tyr211_Val212insTer (NM_001353961.2).
Identifiers: ClinVar variation 3770209 (VCV003770209.1).